The following is an entry in ClinVar:

NM_001366385.1(CARD14):c.1188C>G (p.Val396=)

Gene: CARD14 (caspase recruitment domain family member 14; plus strand). Cytogenetic location: 17q25.3.
Variant type: single nucleotide variant.
Coding change: c.1188C>G on transcript NM_001366385.1 (MANE Select); coding-DNA position 1188, C replaced by G.
Protein change: p.Val396=; no amino-acid change (valine 396 retained).
Molecular consequence: synonymous variant. On other transcripts: non-coding transcript variant (1).
Genome position (GRCh38, 1-based): chr17:80,191,421, C>G. VCF-style: chr17-80191421-C-G. GRCh37 (hg19) VCF-style: chr17-78165220-C-G.
Other names: c.1188C>G, p.Val396= (NM_001257970.1, NM_024110.4); c.477C>G, p.Val159= (NM_052819.3).
Identifiers: ClinVar variation 1152307 (VCV001152307.14), dbSNP rs147432650, ClinGen allele CA8816700.

ClinVar aggregate classification (germline): Likely benign. Review status: criteria provided, multiple submitters, no conflicts (2 of 4 stars). 3 submissions from 3 submitters: Likely benign (3). Last evaluated 2025-10-22.

Conditions:
Psoriasis 2. Identifiers: MedGen C1864497, MONDO:0011269, OMIM 602723.
Pityriasis rubra pilaris (PRP). Also called: Pityriasis rubra pilaris--familial type. Identifiers: Orphanet 2897, MedGen C0032027, MONDO:0100017, OMIM 173200, MONDO:0008251.
Autoinflammatory syndrome. Identifiers: Orphanet 93665, MedGen C3890737, MONDO:0019751.
CARD14-related disorder. Also called: CARD14-related condition.

Allele frequency attached by ClinVar (database versions not stated): gnomAD 0.00003; gnomAD exomes 0.00003 and 0.00006; TOPMed 0.00003; ESP Exome Variant Server 0.00008; ExAC 0.00011.
gnomAD v4.1: 55 of 1,613,634 alleles (0.0034%); highest among the groups gnomAD compares: Non-Finnish European, 0.0044%; no homozygotes.

Submissions (3):

Labcorp Genetics (formerly Invitae), Labcorp
Classification: Likely benign for Pityriasis rubra pilaris; Psoriasis 2. Last evaluated: 2025-10-22. Review status: criteria provided, single submitter. Criteria: Invitae Variant Classification Sherloc (09022015). Collection method: clinical testing. Allele origin: germline.

PreventionGenetics, part of Exact Sciences
Classification: Likely benign for CARD14-related condition. Last evaluated: 2025-03-10. Review status: criteria provided, single submitter. Criteria: ACMG Guidelines, 2015. Collection method: clinical testing. Allele origin: germline.
Comment: This variant is classified as likely benign based on ACMG/AMP sequence variant interpretation guidelines (Richards et al. 2015 PMID: 25741868, with internal and published modifications).

Genome Diagnostics Laboratory, The Hospital for Sick Children
Classification: Likely benign for Autoinflammatory syndrome. Last evaluated: 2020-10-08. Review status: criteria provided, single submitter. Criteria: ACMG Guidelines, 2015. Collection method: clinical testing. Allele origin: germline. Affected: yes.